The following is an entry in ClinVar:

ClinVar aggregate classification (germline): Uncertain significance (1 of 4 stars; one submission).

gnomAD v4.1: 1 of 1,613,398 alleles (0.000062%); highest among the groups gnomAD compares: Non-Finnish European, 0.000085%; no homozygotes.

Submission:

GeneDx
Classification: Uncertain significance. Last evaluated: 2025-02-11. Review status: criteria provided, single submitter. Criteria: GeneDx Variant Classification Process June 2021. Collection method: clinical testing. Allele origin: germline. Affected: yes.
Comment: Not observed at significant frequency in large population cohorts (gnomAD); In silico analysis indicates that this missense variant does not alter protein structure/function; Has not been previously published as pathogenic or benign to our knowledge

NM_001365088.1(SLC12A6):c.1180A>G (p.Lys394Glu)

Gene: SLC12A6 (solute carrier family 12 member 6; minus strand). Cytogenetic location: 15q14.
Variant type: single nucleotide variant.
Coding change: c.1180A>G on transcript NM_001365088.1 (MANE Select); coding-DNA position 1180, A replaced by G.
Protein change: p.Lys394Glu; replaces lysine 394 with glutamic acid.
Molecular consequence: missense variant.
Genome position (GRCh38, 1-based): chr15:34,252,323, T>C on the plus strand (A>G on the coding strand, the complement: SLC12A6 is on the minus strand). VCF-style: chr15-34252323-T-C. GRCh37 (hg19) VCF-style: chr15-34544524-T-C.
Other names: c.1003A>G, p.Lys335Glu (NM_001042494.2, NM_001042495.2); c.1153A>G, p.Lys385Glu (NM_001042496.2); c.1135A>G, p.Lys379Glu (NM_001042497.2); c.1027A>G, p.Lys343Glu (NM_005135.2); c.1180A>G, p.Lys394Glu (NM_133647.2); short protein forms K335E, K343E, K379E, K385E, K394E.
Identifiers: ClinVar variation 4074624 (VCV004074624.1).